The following is an entry in ClinVar:

ClinVar aggregate classification (germline): Uncertain significance (1 of 4 stars; one submission).

Conditions:
Familial thoracic aortic aneurysm and aortic dissection (TAAD). Also called: Thoracic aortic aneurysms and dissections. Identifiers: Orphanet 91387, MedGen C4707243, MONDO:0019625.

gnomAD v4.1: 1 of 1,612,344 alleles (0.000062%); highest among the groups gnomAD compares: Admixed American, 0.0017%; no homozygotes.

Submission:

Color Diagnostics, LLC DBA Color Health
Classification: Uncertain significance for Familial thoracic aortic aneurysm and aortic dissection. Last evaluated: 2025-06-23. Review status: criteria provided, single submitter. Criteria: ACMG Guidelines, 2015. Collection method: clinical testing. Allele origin: germline.
Comment: This missense variant replaces threonine with isoleucine at codon 1746 of the FBN1 protein. Computational prediction suggests that this variant may not impact protein structure and function. To our knowledge, functional studies have not been reported for this variant. This variant has not been reported in individuals affected with FBN1-related disorders in the literature. This variant has not been identified in the general population by the Genome Aggregation Database (gnomAD). The available evidence is insufficient to determine the role of this variant in disease conclusively. Therefore, this variant is classified as a Variant of Uncertain Significance.

NM_000138.5(FBN1):c.5237C>T (p.Thr1746Ile)

Gene: FBN1 (fibrillin 1; minus strand). Cytogenetic location: 15q21.1.
Variant type: single nucleotide variant.
Coding change: c.5237C>T on transcript NM_000138.5 (MANE Select); coding-DNA position 5237, C replaced by T.
Protein change: p.Thr1746Ile; replaces threonine 1746 with isoleucine.
Molecular consequence: missense variant.
Genome position (GRCh38, 1-based): chr15:48,460,305, G>A on the plus strand (C>T on the coding strand, the complement: FBN1 is on the minus strand). VCF-style: chr15-48460305-G-A. GRCh37 (hg19) VCF-style: chr15-48752502-G-A.
Other names: c.5237C>T, p.Thr1746Ile (NM_001406716.1); short protein forms T1746I.
Identifiers: ClinVar variation 4756896 (VCV004756896.1).